The following is an entry in ClinVar:

ClinVar aggregate classification (germline): Uncertain significance. Review status: criteria provided, multiple submitters, no conflicts (2 of 4 stars). 2 submissions from 2 submitters: Uncertain significance (2). Last evaluated 2023-12-14.

Conditions:
Hereditary cancer-predisposing syndrome. Also called: Tumor predisposition; Neoplastic Syndromes, Hereditary; Hereditary Cancer Syndrome; Hereditary neoplastic syndrome. Identifiers: Orphanet 140162, MedGen C0027672, MeSH D009386, MONDO:0015356.
Ataxia-telangiectasia syndrome (AT). Also called: ATAXIA-TELANGIECTASIA, COMPLEMENTATION GROUP A; ATAXIA-TELANGIECTASIA, FRESNO VARIANT; Ataxia-telangiectasia; Ataxia-telangiectasia, complementation group D; AT, COMPLEMENTATION GROUP C; Ataxia-telangiectasia, complementation group E. Identifiers: Orphanet 100, MedGen C0004135, MONDO:0008840, OMIM 208900.

Submissions (2):

Ambry Genetics
Classification: Uncertain significance for Hereditary cancer-predisposing syndrome. Last evaluated: 2023-12-14. Review status: criteria provided, single submitter. Criteria: Ambry Variant Classification Scheme 2023. Collection method: clinical testing. Allele origin: germline.
Comment: The p.D2090Y variant (also known as c.6268G>T), located in coding exon 42 of the ATM gene, results from a G to T substitution at nucleotide position 6268. The aspartic acid at codon 2090 is replaced by tyrosine, an amino acid with highly dissimilar properties. This amino acid position is poorly conserved in available vertebrate species. In addition, this alteration is predicted to be tolerated by in silico analysis. Since supporting evidence is limited at this time, the clinical significance of this alteration remains unclear.

Labcorp Genetics (formerly Invitae), Labcorp
Classification: Uncertain significance for Ataxia-telangiectasia syndrome. Last evaluated: 2021-08-20. Review status: criteria provided, single submitter. Criteria: Invitae Variant Classification Sherloc (09022015). Collection method: clinical testing. Allele origin: germline.
Comment: This sequence change replaces aspartic acid with tyrosine at codon 2090 of the ATM protein (p.Asp2090Tyr). The aspartic acid residue is weakly conserved and there is a large physicochemical difference between aspartic acid and tyrosine. This variant is not present in population databases (ExAC no frequency). This variant has not been reported in the literature in individuals affected with ATM-related conditions. ClinVar contains an entry for this variant (Variation ID: 826278). Algorithms developed to predict the effect of missense changes on protein structure and function are either unavailable or do not agree on the potential impact of this missense change (SIFT: "Deleterious"; PolyPhen-2: "Benign"; Align-GVGD: "Class C0"). In summary, the available evidence is currently insufficient to determine the role of this variant in disease. Therefore, it has been classified as a Variant of Uncertain Significance.

NM_000051.4(ATM):c.6268G>T (p.Asp2090Tyr)

Genes: ATM (ATM serine/threonine kinase; plus strand), C11orf65 (chromosome 11 open reading frame 65; minus strand). Cytogenetic location: 11q22.3.
Variant type: single nucleotide variant.
Coding change: c.6268G>T on transcript NM_000051.4 (MANE Select); coding-DNA position 6268, G replaced by T.
Protein change: p.Asp2090Tyr; replaces aspartic acid 2090 with tyrosine.
Molecular consequence: missense variant. On other transcripts: intron variant (2).
Genome position (GRCh38, 1-based): chr11:108,317,442, G>T. VCF-style: chr11-108317442-G-T. GRCh37 (hg19) VCF-style: chr11-108188169-G-T.
Other names: c.6268G>T, p.Asp2090Tyr (NM_001351834.2); c.641-8371C>A (NM_001330368.2); c.*39-8371C>A (NM_001351110.2); short protein forms D2090Y.
Identifiers: ClinVar variation 826278 (VCV000826278.11), dbSNP rs915524411, ClinGen allele CA382551931.